The following is an entry in ClinVar:

NM_017757.3(ZNF407):c.5854G>A (p.Gly1952Ser)

Gene: ZNF407 (zinc finger protein 407; plus strand). Cytogenetic location: 18q22.3.
Variant type: single nucleotide variant.
Coding change: c.5854G>A on transcript NM_017757.3 (MANE Select); coding-DNA position 5854, G replaced by A.
Protein change: p.Gly1952Ser; replaces glycine 1952 with serine.
Molecular consequence: missense variant.
Genome position (GRCh38, 1-based): chr18:75,063,575, G>A. VCF-style: chr18-75063575-G-A. GRCh37 (hg19) VCF-style: chr18-72775531-G-A.
Other names: c.5854G>A, p.Gly1952Ser (NM_001384475.1); short protein forms G1952S.
Identifiers: ClinVar variation 2428831 (VCV002428831.3), dbSNP rs201870939, ClinGen allele CA9001234.

ClinVar aggregate classification (germline): Uncertain significance (1 of 4 stars; one submission).

Allele frequency attached by ClinVar (database versions not stated): ESP Exome Variant Server 0.00008; ExAC 0.00010; TOPMed 0.00011; gnomAD 0.00013; 1000 Genomes Project 30x 0.00016; 1000 Genomes Project 0.00020.
gnomAD v4.1: 122 of 1,568,062 alleles (0.0078%); highest among the groups gnomAD compares: Middle Eastern, 0.033%; no homozygotes.

Submission:

GeneDx
Classification: Uncertain significance. Last evaluated: 2022-08-04. Review status: criteria provided, single submitter. Criteria: GeneDx Variant Classification Process June 2021. Collection method: clinical testing. Allele origin: germline. Affected: yes.
Comment: In silico analysis supports that this missense variant does not alter protein structure/function; Has not been previously published as pathogenic or benign to our knowledge